The following is an entry in ClinVar:

ClinVar aggregate classification (germline): Pathogenic/Likely pathogenic. Review status: criteria provided, multiple submitters, no conflicts (2 of 4 stars). 11 submissions from 11 submitters: Pathogenic (6); Likely pathogenic (3). 2 of the submissions do not count toward it. Last evaluated 2026-01-12.

Conditions:
Microcephaly, normal intelligence and immunodeficiency (NBS). Also called: BERLIN BREAKAGE SYNDROME; Nijmegen breakage syndrome; Microcephaly with normal intelligence immunodeficiency and lymphoreticular malignancies; Nonsyndromal microcephaly autosomal recessive with normal intelligence; Seemanova syndrome 2; IMMUNODEFICIENCY, MICROCEPHALY, AND CHROMOSOMAL INSTABILITY. Identifiers: Orphanet 647, MedGen C0398791, MONDO:0009623, OMIM 251260.
Aplastic anemia. Identifiers: Orphanet 182040, Orphanet 88, MedGen C0002874, MONDO:0015909, OMIM 609135, HP:0001915.
Acute lymphoid leukemia (ALL). Also called: Acute lymphoblastic leukemia; Acute lymphocytic leukemia; Lymphoblastic leukemia; Leukemia, acute lymphoblastic, somatic. Identifiers: Orphanet 513, MedGen C0023449, MONDO:0004967, OMIM 613065, HP:0006721.
NBN-related disorder. Also called: NBN-related condition.
Gastric cancer. Also called: Stomach cancer; Malignant tumor of stomach. Identifiers: MedGen C0024623, MeSH D013274, MONDO:0001056, OMIM 613659, HP:0012126.
Hereditary cancer-predisposing syndrome. Also called: Hereditary Cancer Syndrome; Hereditary neoplastic syndrome; Tumor predisposition; Neoplastic Syndromes, Hereditary. Identifiers: Orphanet 140162, MedGen C0027672, MeSH D009386, MONDO:0015356.

Allele frequency attached by ClinVar (database versions not stated): gnomAD exomes 0.00001.
gnomAD v4.1: 4 of 1,613,928 alleles (0.00025%); highest among the groups gnomAD compares: South Asian, 0.0022%; no homozygotes.

Submissions (11):

Ambry Genetics
Classification: Pathogenic for Hereditary cancer-predisposing syndrome. Last evaluated: 2026-01-12. Review status: criteria provided, single submitter. Criteria: Ambry Variant Classification Scheme 2023. Collection method: clinical testing. Allele origin: germline.
Comment: The c.265C>T (p.R89*) alteration, located in exon 3 (coding exon 3) of the NBN gene, consists of a C to T substitution at nucleotide position 265. This changes the amino acid from a arginine (R) to a stop codon at amino acid position 89. This alteration is expected to result in loss of function by premature protein truncation or nonsense-mediated mRNA decay. Based on data from gnomAD, the T allele has an overall frequency of 0.001% (3/251402) total alleles studied. The highest observed frequency was 0.007% (2/30606) of South Asian alleles. Based on the available evidence, this alteration is classified as pathogenic.

Labcorp Genetics (formerly Invitae), Labcorp
Classification: Pathogenic for Microcephaly, normal intelligence and immunodeficiency. Last evaluated: 2026-01-05. Review status: criteria provided, single submitter. Criteria: Invitae Variant Classification Sherloc (09022015). Collection method: clinical testing. Allele origin: germline.
Comment: This sequence change creates a premature translational stop signal (p.Arg89*) in the NBN gene. It is expected to result in an absent or disrupted protein product. Loss-of-function variants in NBN are known to be pathogenic (PMID: 9590180, 16415040). This variant is present in population databases (no rsID available, gnomAD 0.006%). This variant has not been reported in the literature in individuals affected with NBN-related conditions. ClinVar contains an entry for this variant (Variation ID: 370213). For these reasons, this variant has been classified as Pathogenic.

Baylor Genetics
Classification: Pathogenic for Aplastic anemia. Last evaluated: 2023-11-22. Review status: criteria provided, single submitter. Criteria: ACMG Guidelines, 2015. Collection method: clinical testing. Allele origin: unknown.

GeneDx
Classification: Likely pathogenic. Last evaluated: 2023-06-06. Review status: criteria provided, single submitter. Criteria: GeneDx Variant Classification Process June 2021. Collection method: clinical testing. Allele origin: germline. Affected: yes.
Comment: Nonsense variant predicted to result in protein truncation or nonsense mediated decay in a gene for which loss of function is a known mechanism of disease; Not observed at significant frequency in large population cohorts (gnomAD); Observed in individuals with a personal and/or family history of breast and pancreatic cancer but also in cancer-free controls (Kotoula et al., 2017; Hu et al., 2018; Momozawa et al., 2018; Mizukami et al., 2020; Abe et al., 2021); This variant is associated with the following publications: (PMID: 30287823, 32980694, 9590180, 16415040, 28123851, 33413558, 29922827)

Fulgent Genetics
Classification: Likely pathogenic for Microcephaly, normal intelligence and immunodeficiency; Aplastic anemia; Acute lymphoid leukemia. Last evaluated: 2021-12-27. Review status: criteria provided, single submitter. Criteria: ACMG Guidelines, 2015. Collection method: clinical testing. Allele origin: unknown.

Genome-Nilou Lab
Classification: Pathogenic for Microcephaly, normal intelligence and immunodeficiency. Last evaluated: 2021-11-07. Review status: criteria provided, single submitter. Criteria: ACMG Guidelines, 2015. Collection method: clinical testing. Allele origin: germline. Affected: no.

Blueprint Genetics
Classification: Likely pathogenic for NBN-related disorders. Last evaluated: 2020-02-15. Review status: criteria provided, single submitter. Criteria: ACMG Guidelines, 2015. Collection method: clinical testing. Allele origin: germline. Affected: yes. Observed: 1 variant allele.

Revvity Omics, Revvity
Classification: Pathogenic. Last evaluated: 2019-04-02. Review status: criteria provided, single submitter. Criteria: ACMG Guidelines, 2015. Collection method: clinical testing. Allele origin: germline.

Kariminejad - Najmabadi Pathology & Genetics Center
Classification: Pathogenic for Microcephaly, normal intelligence and immunodeficiency. Review status: criteria provided, single submitter. Criteria: ACMG Guidelines, 2015. Collection method: clinical testing. Allele origin: germline. Affected: no.

Laboratory for Genotyping Development, RIKEN
Classification: Pathogenic for Gastric cancer. Last evaluated: 2021-07-01. Review status: no assertion criteria provided. Collection method: research. Allele origin: germline. Not counted in ClinVar's aggregate classification.

Counsyl
Classification: Likely pathogenic for Microcephaly, normal intelligence and immunodeficiency. Last evaluated: 2015-12-15. Review status: no assertion criteria provided. Collection method: clinical testing. Allele origin: unknown. Not counted in ClinVar's aggregate classification.

Literature cited by the submitters: PubMed 9590180 (cited by Labcorp Genetics (formerly Invitae), Labcorp); PubMed 16415040 (cited by Labcorp Genetics (formerly Invitae), Labcorp); PubMed 36988593 (cited by Laboratory for Genotyping Development, RIKEN).

NM_002485.5(NBN):c.265C>T (p.Arg89Ter)

Gene: NBN (nibrin; minus strand). Cytogenetic location: 8q21.3.
Variant type: single nucleotide variant.
Coding change: c.265C>T on transcript NM_002485.5 (MANE Select); coding-DNA position 265, C replaced by T.
Protein change: p.Arg89Ter; replaces arginine 89 with a stop codon.
Molecular consequence: nonsense.
Genome position (GRCh38, 1-based): chr8:89,981,430, G>A on the plus strand (C>T on the coding strand, the complement: NBN is on the minus strand). VCF-style: chr8-89981430-G-A. GRCh37 (hg19) VCF-style: chr8-90993658-G-A.
Other names: c.19C>T, p.Arg7Ter (NM_001024688.3); short protein forms R89*, R7*.
Identifiers: ClinVar variation 370213 (VCV000370213.44), dbSNP rs1057516320, ClinGen allele CA16041212.
Genomic context (GRCh38, chr8:89,981,430, plus strand): 5'-CTTACCTGAATTTACTTCCAAACACTCCAAAAGTAATACCATCCCCCGACTTCAAAGTTC[G>A]GGAAAAGCCATTCTGCATTTTTTCCTCATTAACAAAGGTACCATACTTAGAATTATCTTT-3'